The following is an entry in ClinVar:

ClinVar aggregate classification (germline): Uncertain significance (1 of 4 stars; one submission).

Conditions:
Early-infantile DEE. Also called: Early infantile epileptic encephalopathy; Early infantile epileptic encephalopathy with suppression bursts; Ohtahara syndrome. Identifiers: Orphanet 1934, MedGen C0393706, MONDO:0800491.

Allele frequency attached by ClinVar (database versions not stated): gnomAD exomes below 0.00001.
gnomAD v4.1: 1 of 1,614,090 alleles (0.000062%); highest among the groups gnomAD compares: East Asian, 0.0022%; no homozygotes.

Submission:

Labcorp Genetics (formerly Invitae), Labcorp
Classification: Uncertain significance for Early-infantile DEE. Last evaluated: 2024-02-05. Review status: criteria provided, single submitter. Criteria: Invitae Variant Classification Sherloc (09022015). Collection method: clinical testing. Allele origin: germline.
Comment: This sequence change replaces aspartic acid, which is acidic and polar, with glycine, which is neutral and non-polar, at codon 1259 of the SPTAN1 protein (p.Asp1259Gly). This variant is present in population databases (no rsID available, gnomAD 0.006%). This variant has not been reported in the literature in individuals affected with SPTAN1-related conditions. ClinVar contains an entry for this variant (Variation ID: 1510540). Advanced modeling of protein sequence and biophysical properties (such as structural, functional, and spatial information, amino acid conservation, physicochemical variation, residue mobility, and thermodynamic stability) has been performed at Invitae for this missense variant, however the output from this modeling did not meet the statistical confidence thresholds required to predict the impact of this variant on SPTAN1 protein function. In summary, the available evidence is currently insufficient to determine the role of this variant in disease. Therefore, it has been classified as a Variant of Uncertain Significance.

NM_001130438.3(SPTAN1):c.3776A>G (p.Asp1259Gly)

Gene: SPTAN1 (spectrin alpha, non-erythrocytic 1; plus strand). Cytogenetic location: 9q34.11.
Variant type: single nucleotide variant.
Coding change: c.3776A>G on transcript NM_001130438.3 (MANE Select); coding-DNA position 3776, A replaced by G.
Protein change: p.Asp1259Gly; replaces aspartic acid 1259 with glycine.
Molecular consequence: missense variant.
Genome position (GRCh38, 1-based): chr9:128,605,090, A>G. VCF-style: chr9-128605090-A-G. GRCh37 (hg19) VCF-style: chr9-131367369-A-G.
Other names: c.3716A>G, p.Asp1239Gly (NM_001195532.2, NM_001363765.2, NM_001375314.2); c.3776A>G, p.Asp1259Gly (NM_001363759.2, NM_001375310.1, NM_001375311.2 and 2 more transcripts); c.3812A>G, p.Asp1271Gly (NM_001375312.2, NM_001375318.1); short protein forms D1259G, D1271G, D1239G.
Identifiers: ClinVar variation 1510540 (VCV001510540.7), dbSNP rs1229172232, ClinGen allele CA375064483.